The following is an entry in ClinVar:

NC_012920.1(MT-ND1):m.4013C>T

Gene: MT-ND1 (mitochondrially encoded NADH dehydrogenase 1; plus strand).
Variant type: single nucleotide variant.
Genome position: chrM-4013-C-T.
Identifiers: ClinVar variation 692412 (VCV000692412.1), dbSNP rs1603219257, ClinGen allele CA414774009.

ClinVar aggregate classification (germline): Benign (1 of 4 stars; one submission).

Conditions:
Leigh syndrome (NULS). Also called: Leigh's necrotizing encephalopathy; Leigh's disease; Leigh Syndrome (mtDNA deletion); Leigh Disease; Subacute necrotizing encephalopathy; Necrotizing encephalopathy infantile subacute of Leigh. Identifiers: Orphanet 506, MedGen C2931891, MONDO:0009723, OMIM 256000.

Submission:

Wong Mito Lab, Molecular and Human Genetics, Baylor College of Medicine
Classification: Benign for Leigh syndrome. Last evaluated: 2019-10-17. Review status: criteria provided, single submitter. Criteria: Modified ACMG Guidelines (Unpublished). Collection method: clinical testing. Allele origin: germline.
Comment: The NC_012920.1:m.4013C>T (YP_003024026.1:p.Thr236Ile) variant in MTND1 gene is interpretated to be a Benign variant based on the modified ACMG guidelines (unpublished). This variant meets the following evidence codes: BS1, BS2, BP4